The following is an entry in ClinVar:

NM_021008.4(DEAF1):c.205A>T (p.Met69Leu)

Gene: DEAF1 (DEAF1 transcription factor; minus strand). Cytogenetic location: 11p15.5.
Variant type: single nucleotide variant.
Coding change: c.205A>T on transcript NM_021008.4 (MANE Select); coding-DNA position 205, A replaced by T.
Protein change: p.Met69Leu; replaces methionine 69 with leucine.
Molecular consequence: missense variant. On other transcripts: intron variant (1).
Genome position (GRCh38, 1-based): chr11:694,843, T>A on the plus strand (A>T on the coding strand, the complement: DEAF1 is on the minus strand). VCF-style: chr11-694843-T-A. GRCh37 (hg19) VCF-style: chr11-694843-T-A.
Other names: c.205A>T, p.Met69Leu (NM_001293634.2); c.-437-3245A>T (NM_001367390.1); short protein forms M69L.
Identifiers: ClinVar variation 3271424 (VCV003271424.3).
Genomic context (GRCh38, chr11:694,843, plus strand): 5'-CCTCGTCGGGGCCGGGCAGGGCCTCGGCGCCCATGTCCATGTGCCCGGGCTCCGCCGCCA[T>A]CACCGCCACTGCCGTGACCCGCGGCGTCTCCCGCTCCGCCTCCGAGTCTGCGTCCTCCTC-3'
Protein context (NP_066288.2, residues 59-79): ETPRVTAVAV[Met69Leu]AAEPGHMDMG

ClinVar aggregate classification (germline): Uncertain significance. Review status: criteria provided, multiple submitters, no conflicts (2 of 4 stars). 2 submissions from 2 submitters: Uncertain significance (2). Last evaluated 2024-11-18.

Conditions:
Inborn genetic diseases. Identifiers: MedGen C0950123, MeSH D030342.

gnomAD v4.1: 2 of 1,476,632 alleles (0.00014%); highest among the groups gnomAD compares: African/African-American, 0.0014%; no homozygotes.

Submissions (2):

Labcorp Genetics (formerly Invitae), Labcorp
Classification: Uncertain significance. Last evaluated: 2024-11-18. Review status: criteria provided, single submitter. Criteria: Invitae Variant Classification Sherloc (09022015). Collection method: clinical testing. Allele origin: germline.
Comment: This sequence change replaces methionine, which is neutral and non-polar, with leucine, which is neutral and non-polar, at codon 69 of the DEAF1 protein (p.Met69Leu). This variant is present in population databases (rs770777932, gnomAD 0.005%). This variant has not been reported in the literature in individuals affected with DEAF1-related conditions. Invitae Evidence Modeling of protein sequence and biophysical properties (such as structural, functional, and spatial information, amino acid conservation, physicochemical variation, residue mobility, and thermodynamic stability) has been performed for this missense variant. However, the output from this modeling did not meet the statistical confidence thresholds required to predict the impact of this variant on DEAF1 protein function. In summary, the available evidence is currently insufficient to determine the role of this variant in disease. Therefore, it has been classified as a Variant of Uncertain Significance.

Ambry Genetics
Classification: Uncertain significance for Inborn genetic diseases. Last evaluated: 2024-04-22. Review status: criteria provided, single submitter. Criteria: Ambry Variant Classification Scheme 2023. Collection method: clinical testing. Allele origin: germline.